The following is an entry in ClinVar:

ClinVar aggregate classification (germline): Likely benign. Review status: criteria provided, multiple submitters, no conflicts (2 of 4 stars). 3 submissions from 3 submitters: Likely benign (2). 1 of the submissions does not count toward it. Last evaluated 2025-12-20.

Conditions:
Joubert syndrome. Also called: Familial aplasia of the vermis; JOUBERT-BOLTSHAUSER SYNDROME. Identifiers: Orphanet 475, MedGen C5979921, MONDO:0018772.
RPGRIP1L-related disorder. Also called: RPGRIP1L-related disorders; RPGRIP1L-related condition. Identifiers: MedGen CN239416.
Meckel-Gruber syndrome. Also called: GRUBER SYNDROME; Dysencephalia splachnocystica; DYSENCEPHALIA SPLANCHNOCYSTICA. Identifiers: Orphanet 564, MedGen C0265215, MONDO:0018921.

Submissions (3):

Labcorp Genetics (formerly Invitae), Labcorp
Classification: Likely benign for Joubert syndrome; Meckel-Gruber syndrome. Last evaluated: 2025-12-20. Review status: criteria provided, single submitter. Criteria: Invitae Variant Classification Sherloc (09022015). Collection method: clinical testing. Allele origin: germline.

PreventionGenetics, part of Exact Sciences
Classification: Likely benign for RPGRIP1L-related condition. Last evaluated: 2025-07-28. Review status: criteria provided, single submitter. Criteria: ACMG Guidelines, 2015. Collection method: clinical testing. Allele origin: germline.
Comment: This variant is classified as likely benign based on ACMG/AMP sequence variant interpretation guidelines (Richards et al. 2015 PMID: 25741868, with internal and published modifications).

Natera, Inc.
Classification: Uncertain significance for Joubert syndrome. Last evaluated: 2020-09-10. Review status: no assertion criteria provided. Collection method: clinical testing. Allele origin: germline. Not counted in ClinVar's aggregate classification.

NM_015272.5(RPGRIP1L):c.1419_1421del (p.Lys473del)

Gene: RPGRIP1L (RPGRIP1 like; minus strand). Cytogenetic location: 16q12.2.
Variant type: Deletion.
Coding change: c.1419_1421del on transcript NM_015272.5 (MANE Select); coding-DNA positions 1419 to 1421, 3 bases deleted (AAA; older notation c.1419_1421delAAA).
Protein change: p.Lys473del; deletes lysine 473.
Molecular consequence: inframe deletion.
Genome position (GRCh38, 1-based): chr16:53,657,613-53,657,615, TTT deleted on the plus strand (AAA on the coding strand, the reverse complement: RPGRIP1L is on the minus strand); deleting any 3 consecutive bases within chr16:53,657,613-53,657,619 gives the same sequence; the c. name uses the placement nearest the transcript's 3' end. VCF-style (leftmost placement, unchanged base first): chr16-53657612-ATTT-A. GRCh37 (hg19) VCF-style: chr16-53691524-ATTT-A.
Other names: c.1419_1421del, p.Lys473del (NM_001127897.4, NM_001308334.3, NM_001330538.2); c.1419_1421delAAA (NM_015272.5, NM_015272.4); short protein forms K473del.
Identifiers: ClinVar variation 701489 (VCV000701489.13), dbSNP rs760952407, ClinGen allele CA8057793.
Genomic context (GRCh38, chr16:53,657,612, plus strand): 5'-AGAGCGTTCTAGATCTTTATTAATTTCACTATCTACTTTCACTAAAAAGGAAAGGTCTCC[ATTT>A]TTTTGTTCTTTTTGAGCCTAAAATAAAAAACATGTTTTATGACTGAAACAAAAATTTCTA-3'